The following is an entry in ClinVar:

NM_001999.4(FBN2):c.1798T>C (p.Cys600Arg)

Gene: FBN2 (fibrillin 2; minus strand). Cytogenetic location: 5q23.3.
Variant type: single nucleotide variant.
Coding change: c.1798T>C on transcript NM_001999.4 (MANE Select); coding-DNA position 1798, T replaced by C.
Protein change: p.Cys600Arg; replaces cysteine 600 with arginine.
Molecular consequence: missense variant.
Genome position (GRCh38, 1-based): chr5:128,377,803, A>G on the plus strand (T>C on the coding strand, the complement: FBN2 is on the minus strand). VCF-style: chr5-128377803-A-G. GRCh37 (hg19) VCF-style: chr5-127713496-A-G.
Other names: short protein forms C600R.
Identifiers: ClinVar variation 1307758 (VCV001307758.2), dbSNP rs1752120226, ClinGen allele CA360742511.

ClinVar aggregate classification (germline): Uncertain significance (1 of 4 stars; one submission).

Submission:

GeneDx
Classification: Uncertain significance. Last evaluated: 2019-08-07. Review status: criteria provided, single submitter. Criteria: GeneDx Variant Classification Process June 2021. Collection method: clinical testing. Allele origin: germline. Affected: yes.
Comment: Has not been previously published as pathogenic or benign to our knowledge; Not observed in large population cohorts (Lek et al., 2016); In silico analysis, which includes protein predictors and evolutionary conservation, supports a deleterious effect